The following is an entry in ClinVar:

NM_017617.5(NOTCH1):c.4468T>G (p.Cys1490Gly)

Gene: NOTCH1 (notch receptor 1; minus strand). Cytogenetic location: 9q34.3.
Variant type: single nucleotide variant.
Coding change: c.4468T>G on transcript NM_017617.5 (MANE Select); coding-DNA position 4468, T replaced by G.
Protein change: p.Cys1490Gly; replaces cysteine 1490 with glycine.
Molecular consequence: missense variant.
Genome position (GRCh38, 1-based): chr9:136,505,428, A>C on the plus strand (T>G on the coding strand, the complement: NOTCH1 is on the minus strand). VCF-style: chr9-136505428-A-C. GRCh37 (hg19) VCF-style: chr9-139399880-A-C.
Other names: short protein forms C1490G.
Identifiers: ClinVar variation 839391 (VCV000839391.10), dbSNP rs1843065225, ClinGen allele CA375647323.

ClinVar aggregate classification (germline): Uncertain significance (1 of 4 stars; one submission).

Conditions:
Adams-Oliver syndrome 5 (AOS5). Identifiers: Orphanet 974, MedGen C4014970, MONDO:0014459, OMIM 616028.

Submission:

Labcorp Genetics (formerly Invitae), Labcorp
Classification: Uncertain significance for Adams-Oliver syndrome 5. Last evaluated: 2024-04-01. Review status: criteria provided, single submitter. Criteria: Invitae Variant Classification Sherloc (09022015). Collection method: clinical testing. Allele origin: germline.
Comment: This sequence change replaces cysteine, which is neutral and slightly polar, with glycine, which is neutral and non-polar, at codon 1490 of the NOTCH1 protein (p.Cys1490Gly). This variant is not present in population databases (gnomAD no frequency). This variant has not been reported in the literature in individuals affected with NOTCH1-related conditions. ClinVar contains an entry for this variant (Variation ID: 839391). Advanced modeling of protein sequence and biophysical properties (such as structural, functional, and spatial information, amino acid conservation, physicochemical variation, residue mobility, and thermodynamic stability) performed at Invitae indicates that this missense variant is expected to disrupt NOTCH1 protein function with a positive predictive value of 80%. In summary, the available evidence is currently insufficient to determine the role of this variant in disease. Therefore, it has been classified as a Variant of Uncertain Significance.